The following is an entry in ClinVar:

ClinVar aggregate classification (germline): Uncertain significance (1 of 4 stars; one submission).

Submission:

Labcorp Genetics (formerly Invitae), Labcorp
Classification: Uncertain significance. Last evaluated: 2022-10-26. Review status: criteria provided, single submitter. Criteria: Invitae Variant Classification Sherloc (09022015). Collection method: clinical testing. Allele origin: germline.
Comment: In summary, the available evidence is currently insufficient to determine the role of this variant in disease. Therefore, it has been classified as a Variant of Uncertain Significance. Algorithms developed to predict the effect of sequence changes on RNA splicing suggest that this variant may create or strengthen a splice site. Advanced modeling of protein sequence and biophysical properties (such as structural, functional, and spatial information, amino acid conservation, physicochemical variation, residue mobility, and thermodynamic stability) performed at Invitae indicates that this missense variant is expected to disrupt GUCY2C protein function. This variant has not been reported in the literature in individuals affected with GUCY2C-related conditions. This variant is not present in population databases (gnomAD no frequency). This sequence change replaces aspartic acid, which is acidic and polar, with tyrosine, which is neutral and polar, at codon 687 of the GUCY2C protein (p.Asp687Tyr).

NM_004963.4(GUCY2C):c.2059G>T (p.Asp687Tyr)

Gene: GUCY2C (guanylate cyclase 2C; minus strand). Cytogenetic location: 12p12.3.
Variant type: single nucleotide variant.
Coding change: c.2059G>T on transcript NM_004963.4 (MANE Select); coding-DNA position 2059, G replaced by T.
Protein change: p.Asp687Tyr; replaces aspartic acid 687 with tyrosine.
Molecular consequence: missense variant.
Genome position (GRCh38, 1-based): chr12:14,641,091, C>A on the plus strand (G>T on the coding strand, the complement: GUCY2C is on the minus strand). VCF-style: chr12-14641091-C-A. GRCh37 (hg19) VCF-style: chr12-14794025-C-A.
Other names: short protein forms D687Y.
Identifiers: ClinVar variation 1722215 (VCV001722215.5), dbSNP rs1947393099, ClinGen allele CA383983918.
Genomic context (GRCh38, chr12:14,641,091, plus strand): 5'-AAGCAGGTTGGCTCACTCCCAGAGGGGACACATGAATGGGTTTAGATGTACCATTCCGGT[C>A]CCGACAGCTCAAAGTGTAGAAGGTTTCTTTCCGCAGGATGATCTCCTGTGCGATGATCCC-3'
Protein context (NP_004954.2, residues 677-697): KETFYTLSCR[Asp687Tyr]RNEKIFRVEN